The following is an entry in ClinVar:

ClinVar aggregate classification (germline): Likely pathogenic (1 of 4 stars; one submission).

Conditions:
Familial cancer of breast. Also called: hereditary breast carcinoma; BREAST CANCER, FAMILIAL; Hereditary breast cancer. Identifiers: Orphanet 227535, MedGen C0346153, MONDO:0016419, OMIM 114480. Disease mechanism: loss of function.

Submission:

Labcorp Genetics (formerly Invitae), Labcorp
Classification: Likely pathogenic for Familial cancer of breast. Last evaluated: 2021-07-01. Review status: criteria provided, single submitter. Criteria: Invitae Variant Classification Sherloc (09022015). Collection method: clinical testing. Allele origin: germline.
Comment: In summary, the currently available evidence indicates that the variant is pathogenic, but additional data are needed to prove that conclusively. Therefore, this variant has been classified as Likely Pathogenic. This variant disrupts a region of the CHEK2 protein in which other variant(s) (p.Arg519*) have been determined to be pathogenic (Invitae). This suggests that this is a clinically significant region of the protein, and that variants that disrupt it are likely to be disease-causing. This variant has not been reported in the literature in individuals affected with CHEK2-related conditions. This variant is not present in population databases (ExAC no frequency). This sequence change results in a frameshift in the CHEK2 gene (p.Gln514Serfs*52). While this is not anticipated to result in nonsense mediated decay, it is expected to disrupt the last 30 amino acid(s) of the CHEK2 protein and extend the protein by 21 additional amino acid residues.

NM_007194.4(CHEK2):c.1540del (p.Gln514fs)

Gene: CHEK2 (checkpoint kinase 2; minus strand). Cytogenetic location: 22q12.1.
Variant type: Deletion.
Coding change: c.1540del on transcript NM_007194.4 (MANE Select); coding-DNA position 1540, one base deleted (C; older notation c.1540delC).
Protein change: p.Gln514fs; shifts the reading frame from glutamine 514.
Molecular consequence: frameshift variant.
Genome position (GRCh38, 1-based): chr22:28,689,137, G deleted on the plus strand (C on the coding strand, the reverse complement: CHEK2 is on the minus strand); the first of 3 consecutive G bases (chr22:28,689,137-28,689,139); deleting any one gives the same sequence. VCF-style (leftmost placement, unchanged base first): chr22-28689136-TG-T. GRCh37 (hg19) VCF-style: chr22-29085124-TG-T.
Other names: c.1667delC, p.Gln557Serfs (NM_001005735.3); c.875delC, p.Gln293Serfs (NM_001257387.3); c.1337delC, p.Gln447Serfs (NM_001349956.3); c.1451delC, p.Gln485Serfs (NM_145862.3); short protein forms Q293fs, Q447fs, Q557fs, Q485fs, Q514fs.
Identifiers: ClinVar variation 1471596 (VCV001471596.7), dbSNP rs2145748046, ClinGen allele CA2573157935.